The following is an entry in ClinVar:

ClinVar aggregate classification (germline): Uncertain significance. Review status: criteria provided, single submitter (1 of 4 stars). 2 submissions from 2 submitters: Uncertain significance (1). 1 of the submissions does not count toward it. Last evaluated 2025-01-20.

Conditions:
ZFHX2-related disorder. Also called: ZFHX2-related condition.

Allele frequency attached by ClinVar (database versions not stated): 1000 Genomes Project 30x 0.00062; gnomAD 0.00070; ExAC 0.00078; TOPMed 0.00079; 1000 Genomes Project 0.00080.
gnomAD v4.1: 160 of 1,448,014 alleles (0.011%); highest among the groups gnomAD compares: African/African-American, 0.2%; no homozygotes.

Submissions (2):

Ambry Genetics
Classification: Uncertain significance. Last evaluated: 2025-01-20. Review status: criteria provided, single submitter. Criteria: Ambry Variant Classification Scheme 2023. Collection method: clinical testing. Allele origin: germline.

PreventionGenetics, part of Exact Sciences
Classification: Likely benign for ZFHX2-related condition. Last evaluated: 2019-06-06. Review status: no assertion criteria provided. Collection method: clinical testing. Allele origin: germline. Not counted in ClinVar's aggregate classification.
Comment: This variant is classified as likely benign based on ACMG/AMP sequence variant interpretation guidelines (Richards et al. 2015 PMID: 25741868, with internal and published modifications).

NM_033400.3(ZFHX2):c.6758G>A (p.Gly2253Asp)

Genes: THTPA (thiamine triphosphatase; plus strand), ZFHX2 (zinc finger homeobox 2; minus strand). Cytogenetic location: 14q11.2.
Variant type: single nucleotide variant.
Coding change: c.6758G>A on transcript NM_033400.3 (MANE Select); coding-DNA position 6758, G replaced by A.
Protein change: p.Gly2253Asp; replaces glycine 2253 with aspartic acid.
Molecular consequence: missense variant.
Genome position (GRCh38, 1-based): chr14:23,522,923, C>T on the plus strand (G>A on the coding strand, the complement: ZFHX2 is on the minus strand). VCF-style: chr14-23522923-C-T. GRCh37 (hg19) VCF-style: chr14-23992132-C-T.
Other names: short protein forms G2253D.
Identifiers: ClinVar variation 3044789 (VCV003044789.3), dbSNP rs540606176, ClinGen allele CA7116812.